The following is an entry in ClinVar:

NM_000036.3(AMPD1):c.681T>C (p.Asp227=)

Gene: AMPD1 (adenosine monophosphate deaminase 1; minus strand). Cytogenetic location: 1p13.2.
Variant type: single nucleotide variant.
Coding change: c.681T>C on transcript NM_000036.3 (MANE Select); coding-DNA position 681, T replaced by C.
Protein change: p.Asp227=; no amino-acid change (aspartic acid 227 retained).
Molecular consequence: synonymous variant.
Genome position (GRCh38, 1-based): chr1:114,680,345, A>G on the plus strand (T>C on the coding strand, the complement: AMPD1 is on the minus strand). VCF-style: chr1-114680345-A-G. GRCh37 (hg19) VCF-style: chr1-115222966-A-G.
Other names: c.669T>C, p.Asp223= (NM_001172626.2).
Identifiers: ClinVar variation 1669989 (VCV001669989.10), dbSNP rs201988963, ClinGen allele CA1020344.

ClinVar aggregate classification (germline): Benign/Likely benign. Review status: criteria provided, multiple submitters, no conflicts (2 of 4 stars). 3 submissions from 3 submitters: Benign (1); Likely benign (2). Last evaluated 2026-07-01.

Conditions:
Muscle AMP deaminase deficiency (MMDD). Also called: Myoadenylate deaminase deficiency, myopathy due to; Adenosine monophosphate deaminase 1 deficiency; AMP deaminase 1 deficiency; Adenosine Monophosphate Deaminase 1; AMPD1 DEFICIENCY; ADENOSINE MONOPHOSPHATE DEAMINASE-1 DEFICIENCY, MYOPATHY DUE TO. Identifiers: Orphanet 45, MedGen C3714933, MONDO:0014220, OMIM 615511.

Allele frequency attached by ClinVar (database versions not stated): ESP Exome Variant Server 0.00008; gnomAD 0.00014 and 0.00025; TOPMed 0.00026; 1000 Genomes Project 30x 0.00031; 1000 Genomes Project 0.00040; gnomAD exomes 0.00047 and 0.00050; ExAC 0.00054.
gnomAD v4.1: 714 of 1,614,208 alleles (0.044%); highest among the groups gnomAD compares: East Asian, 1.4%; 5 homozygotes.

Submissions (3):

CeGaT Center for Human Genetics Tuebingen
Classification: Likely benign. Last evaluated: 2026-07-01. Review status: criteria provided, single submitter. Criteria: CeGaT Center For Human Genetics Tuebingen Variant Classification Criteria Version 2. Collection method: clinical testing. Allele origin: germline. Affected: yes. Observed: 1 variant allele.
Comment: AMPD1: BP4, BP7, BS1

Labcorp Genetics (formerly Invitae), Labcorp
Classification: Benign for Muscle AMP deaminase deficiency. Last evaluated: 2025-11-04. Review status: criteria provided, single submitter. Criteria: Invitae Variant Classification Sherloc (09022015). Collection method: clinical testing. Allele origin: germline.

Blueprint Genetics
Classification: Likely benign. Last evaluated: 2024-11-18. Review status: criteria provided, single submitter. Criteria: ACMG Guidelines, 2015. Collection method: clinical testing. Allele origin: germline.